The following is an entry in ClinVar:

ClinVar aggregate classification (germline): Uncertain significance (1 of 4 stars; one submission).

Conditions:
Ateleiotic dwarfism (IGHD1A). Also called: IGHD IA; PITUITARY DWARFISM I; SEXUAL ATELEIOTIC DWARFISM; Isolated growth hormone deficiency type 1A; Growth hormone deficiency, isolated autosomal recessive; ILLIG type growth hormone deficiency. Identifiers: Orphanet 231662, Orphanet 631, MedGen C0342573, MONDO:0009876, OMIM 262400.

Submission:

MVZ Medizinische Genetik Mainz
Classification: Uncertain significance for Ateleiotic dwarfism. Last evaluated: 2022-07-29. Review status: criteria provided, single submitter. Criteria: UK Practice Guidelines For Variant Classification V4 01 2020. Collection method: clinical testing. Allele origin: germline. Inheritance: Autosomal recessive inheritance. Affected: yes. Observed: 1 variant allele.
Comment: ACMG Criteria: PM4, PM2_SUP, PP4

NM_000515.5(GH1):c.47_55del (p.Leu16_Leu18del)

Genes: GH1 (growth hormone 1; minus strand), GH-LCR (growth hormone locus control region; plus strand). Cytogenetic location: 17q23.3.
Variant type: Deletion.
Coding change: c.47_55del on transcript NM_000515.5 (MANE Select); coding-DNA positions 47 to 55, 9 bases deleted (TCTGCCTGC; older notation c.47_55delTCTGCCTGC).
Protein change: p.Leu16_Leu18del.
Molecular consequence: inframe deletion.
Genome position (GRCh38, 1-based): chr17:63,918,462-63,918,470, GCAGGCAGA deleted on the plus strand (TCTGCCTGC on the coding strand, the reverse complement: GH1 is on the minus strand); deleting any 9 consecutive bases within chr17:63,918,462-63,918,476 gives the same sequence; the c. name uses the placement nearest the transcript's 3' end. VCF-style (leftmost placement, unchanged base first): chr17-63918461-GGCAGGCAGA-G. GRCh37 (hg19) VCF-style: chr17-61995821-GGCAGGCAGA-G.
Other names: c.47_55del, p.Leu16_Leu18del (NM_022559.4, NM_022560.4).
Identifiers: ClinVar variation 3234046 (VCV003234046.1), dbSNP rs2509253007, ClinGen allele CA2825002595.
Genomic context (GRCh38, chr17:63,918,461, plus strand): 5'-GCGTTGTCAAAAAGCCTGGATAAGGGAATGGTTGGGAAGGCACTGCCCTCTTGAAGCCAG[GGCAGGCAGA>G]GCAGGCCAAAAGCCAGGAGCAGGGACGTCCGGGAGCCTGGGGAGAAACCAGAGGGCAACA-3'